The following is an entry in ClinVar:

NM_001197104.2(KMT2A):c.8095C>T (p.Arg2699Ter)

Gene: KMT2A (lysine methyltransferase 2A; plus strand). Cytogenetic location: 11q23.3.
Variant type: single nucleotide variant.
Coding change: c.8095C>T on transcript NM_001197104.2 (MANE Select); coding-DNA position 8095, C replaced by T.
Protein change: p.Arg2699Ter; replaces arginine 2699 with a stop codon.
Molecular consequence: nonsense.
Genome position (GRCh38, 1-based): chr11:118,503,987, C>T. VCF-style: chr11-118503987-C-T. GRCh37 (hg19) VCF-style: chr11-118374702-C-T.
Other names: c.8086C>T, p.Arg2696Ter (NM_005933.4); short protein forms R2699*, R2696*.
Identifiers: ClinVar variation 158709 (VCV000158709.14), dbSNP rs587783680, ClinGen allele CA172400.

ClinVar aggregate classification (germline): Pathogenic. Review status: criteria provided, multiple submitters, no conflicts (2 of 4 stars). 7 submissions from 7 submitters: Pathogenic (7). Last evaluated 2024-08-24.

Conditions:
KMT2A-related disorder. Also called: KMT2A-related condition.
Wiedemann-Steiner syndrome (WDSTS). Also called: Growth deficiency and mental retardation with facial dysmorphism. Identifiers: Orphanet 319182, MedGen C1854630, MONDO:0011518, OMIM 605130.

Submissions (7):

Labcorp Genetics (formerly Invitae), Labcorp
Classification: Pathogenic. Last evaluated: 2024-08-24. Review status: criteria provided, single submitter. Criteria: Invitae Variant Classification Sherloc (09022015). Collection method: clinical testing. Allele origin: germline.
Comment: This sequence change creates a premature translational stop signal (p.Arg2699*) in the KMT2A gene. It is expected to result in an absent or disrupted protein product. Loss-of-function variants in KMT2A are known to be pathogenic (PMID: 22795537, 25810209, 29574747). This variant is not present in population databases (gnomAD no frequency). This premature translational stop signal has been observed in individual(s) with KMT2A-related conditions (PMID: 31044088). ClinVar contains an entry for this variant (Variation ID: 158709). For these reasons, this variant has been classified as Pathogenic.

Blueprint Genetics
Classification: Pathogenic for KMT2A-related disorders. Last evaluated: 2024-04-15. Review status: criteria provided, single submitter. Criteria: ACMG Guidelines, 2015. Collection method: clinical testing. Allele origin: germline. Affected: yes. Observed: 1 variant allele.

GeneDx
Classification: Pathogenic. Last evaluated: 2020-11-25. Review status: criteria provided, single submitter. Criteria: GeneDx Variant Classification Process June 2021. Collection method: clinical testing. Allele origin: germline. Affected: yes.
Comment: Nonsense variant predicted to result in protein truncation or nonsense mediated decay in a gene for which loss-of-function is a known mechanism of disease; Not observed in large population cohorts (Lek et al., 2016); This variant is associated with the following publications: (PMID: 31044088)

Fulgent Genetics
Classification: Pathogenic for Wiedemann-Steiner syndrome. Last evaluated: 2018-10-31. Review status: criteria provided, single submitter. Criteria: ACMG Guidelines, 2015. Collection method: clinical testing. Allele origin: unknown.

Clinical Genetics and Genomics, Karolinska University Hospital
Classification: Pathogenic. Last evaluated: 2017-10-24. Review status: criteria provided, single submitter. Criteria: ACMG Guidelines, 2015. Collection method: clinical testing. Allele origin: germline. Affected: yes. Observed: 1 variant allele.

Genetic Services Laboratory, University of Chicago
Classification: Pathogenic for Wiedemann-Steiner syndrome. Last evaluated: 2014-03-31. Review status: criteria provided, single submitter. Criteria: ACMG Guidelines, 2007. Collection method: clinical testing. Allele origin: germline. Inheritance: Autosomal dominant inheritance. Affected: yes.

Rady Children's Institute for Genomic Medicine, Rady Children's Hospital San Diego
Classification: Pathogenic for WIEDEMANN-STEINER SYNDROME. Review status: criteria provided, single submitter. Criteria: ACMG Guidelines, 2015. Collection method: clinical testing. Allele origin: germline. Affected: yes.
Comment: This nonsense variant found in exon 27 of 36 is predicted to result in loss of normal protein function through either protein truncation or nonsense-mediated mRNA decay (NMD). This variant has been previously reported as a heterozygous de novo change in a patient with Wiedemann-Steiner syndrome (PMID: 31044088). Loss-of-function variation in KMT2A is an established mechanism of disease (PMID: 22795537). The c.8095C>T (p.Arg2699Ter) variant is absent from the gnomAD population database and thus is presumed to be rare. Analysis of the parental samples was negative for the variant, indicating this variant likely occurred as a de novo event. Based on the available evidence, the c.8095C>T (p.Arg2699Ter) variant is classified as Pathogenic.

Literature cited by the submitters: PubMed 22795537 (cited by Labcorp Genetics (formerly Invitae), Labcorp); PubMed 25810209 (cited by Labcorp Genetics (formerly Invitae), Labcorp); PubMed 29574747 (cited by Labcorp Genetics (formerly Invitae), Labcorp); PubMed 31044088 (cited by Labcorp Genetics (formerly Invitae), Labcorp).